The following is an entry in ClinVar:

NM_007294.4(BRCA1):c.5278-10C>A

Gene: BRCA1 (BRCA1 DNA repair associated; minus strand). Cytogenetic location: 17q21.31.
Variant type: single nucleotide variant.
Coding change: c.5278-10C>A on transcript NM_007294.4 (MANE Select); 10 bases into the intron before coding-DNA position 5278, C replaced by A.
Molecular consequence: intron variant.
Genome position (GRCh38, 1-based): chr17:43,051,127, G>T on the plus strand (C>A on the coding strand, the complement: BRCA1 is on the minus strand). VCF-style: chr17-43051127-G-T. GRCh37 (hg19) VCF-style: chr17-41203144-G-T.
Other names: c.5149-10C>A (NM_001407683.1, NM_001407686.1, NM_001407685.1 and 6 more transcripts); c.5152-10C>A (NM_001407674.1, NM_001407939.1, NM_001407677.1 and 10 more transcripts); c.5155-3424C>A (NM_001407919.1); c.5155-10C>A (NM_001407937.1, NM_001407669.1, NM_001407665.1 and 5 more transcripts); c.1966-10C>A (NM_001407979.1, NM_001407982.1, NM_001407980.1 and 12 more transcripts); c.1969-10C>A (NM_001407977.1, NM_001407976.1, NM_001407974.1 and 3 more transcripts); c.5272-10C>A (NM_001407642.1, NM_001407634.1, NM_001407632.1 and 14 more transcripts); c.5275-10C>A (NM_001407625.1, NM_001407619.1, NM_001407610.1 and 17 more transcripts); and 74 more.
Identifiers: ClinVar variation 865252 (VCV000865252.3), dbSNP rs2051216895, ClinGen allele CA916081068.

Conditions:
Breast-ovarian cancer, familial, susceptibility to, 1 (BROVCA1). Also called: BRCA1 Hereditary Breast and Ovarian Cancer; OVARIAN CANCER, SUSCEPTIBILITY TO. Identifiers: Orphanet 145, MedGen C2676676, MONDO:0011450, OMIM 604370. Disease mechanism: loss of function.

Submission:

Brotman Baty Institute, University of Washington
No classification provided (evidence only). Condition: Breast-ovarian cancer, familial 1. Review status: no classification provided. Collection method: in vitro. Allele origin: not applicable. Functional consequence: function_uncertain_variant.
ClinVar note: "not provided" was previously submitted as the classification for the variant. However, the classification appeared to be based only on an observation of functional data so it was converted to no classification on 2025-07-30.